The following is an entry in ClinVar:

NM_001148.6(ANK2):c.6185C>G (p.Ala2062Gly)

Genes: ANK2 (ankyrin 2; plus strand), LOC126807136 (MED14-independent group 3 enhancer GRCh37_chr4:114274931-114276130; plus strand). Cytogenetic location: 4q26.
Variant type: single nucleotide variant.
Coding change: c.6185C>G on transcript NM_001148.6 (MANE Select); coding-DNA position 6185, C replaced by G.
Protein change: p.Ala2062Gly; replaces alanine 2062 with glycine.
Molecular consequence: missense variant. On other transcripts: intron variant (68).
Genome position (GRCh38, 1-based): chr4:113,354,803, C>G. VCF-style: chr4-113354803-C-G. GRCh37 (hg19) VCF-style: chr4-114275959-C-G.
Other names: c.5951C>G, p.Ala1984Gly (NM_001386142.1); c.2585C>G, p.Ala862Gly (NM_001386166.1); c.6326C>G, p.Ala2109Gly (NM_001386174.1); c.6302C>G, p.Ala2101Gly (NM_001386175.1); c.4411+4554C>G (NM_001386186.2, NM_001386148.2); c.4213+4554C>G (NM_001354269.3); c.4291+4554C>G (NM_001386187.2); c.4252+4554C>G (NM_001386147.1); and 35 more; short protein forms A1984G, A2062G, A2101G, A2109G, A862G.
Identifiers: ClinVar variation 1318420 (VCV001318420.9), dbSNP rs1194235291, ClinGen allele CA357922533.

ClinVar aggregate classification (germline): Uncertain significance. Review status: criteria provided, multiple submitters, no conflicts (2 of 4 stars). 2 submissions from 2 submitters: Uncertain significance (2). Last evaluated 2022-03-07.

Conditions:
Long QT syndrome (LQTS). Identifiers: MedGen C0023976, MeSH D008133, MONDO:0002442. Disease mechanism: loss of function. Inheritance: Various modes of inheritance.

Allele frequency attached by ClinVar (database versions not stated): gnomAD 0.00001.
gnomAD v4.1: 1 of 1,613,974 alleles (0.000062%); highest among the groups gnomAD compares: African/African-American, 0.0013%; no homozygotes.

Submissions (2):

Labcorp Genetics (formerly Invitae), Labcorp
Classification: Uncertain significance for Long QT syndrome. Last evaluated: 2022-03-07. Review status: criteria provided, single submitter. Criteria: Invitae Variant Classification Sherloc (09022015). Collection method: clinical testing. Allele origin: germline.
Comment: This variant has not been reported in the literature in individuals affected with ANK2-related conditions. In summary, the available evidence is currently insufficient to determine the role of this variant in disease. Therefore, it has been classified as a Variant of Uncertain Significance. Algorithms developed to predict the effect of missense changes on protein structure and function output the following: SIFT: "Tolerated"; PolyPhen-2: "Benign"; Align-GVGD: "Class C0". The glycine amino acid residue is found in multiple mammalian species, which suggests that this missense change does not adversely affect protein function. ClinVar contains an entry for this variant (Variation ID: 1318420). This variant is not present in population databases (gnomAD no frequency). This sequence change replaces alanine, which is neutral and non-polar, with glycine, which is neutral and non-polar, at codon 2062 of the ANK2 protein (p.Ala2062Gly).

GeneDx
Classification: Uncertain significance. Last evaluated: 2020-10-07. Review status: criteria provided, single submitter. Criteria: GeneDx Variant Classification Process June 2021. Collection method: clinical testing. Allele origin: germline. Affected: yes.
Comment: Has not been previously published as pathogenic or benign to our knowledge; Not observed in large population cohorts (Lek et al., 2016); In silico analysis, which includes protein predictors and evolutionary conservation, supports that this variant does not alter protein structure/function